The following is an entry in ClinVar:

NM_001353345.2(SETD1B):c.2715+5G>A

Gene: SETD1B (SET domain containing 1B, histone lysine methyltransferase; plus strand). Cytogenetic location: 12q24.31.
Variant type: single nucleotide variant.
Coding change: c.2715+5G>A on transcript NM_001353345.2 (MANE Select); 5 bases into the intron after coding-DNA position 2715, G replaced by A.
Molecular consequence: intron variant.
Genome position (GRCh38, 1-based): chr12:121,814,935, G>A. VCF-style: chr12-121814935-G-A. GRCh37 (hg19) VCF-style: chr12-122252841-G-A.
Identifiers: ClinVar variation 4975325 (VCV004975325.1).

ClinVar aggregate classification (germline): Uncertain significance (1 of 4 stars; one submission).

Submission:

GeneDx
Classification: Uncertain significance. Last evaluated: 2026-01-22. Review status: criteria provided, single submitter. Criteria: GeneDx Variant Classification Process June 2021. Collection method: clinical testing. Allele origin: germline.
Comment: Not observed at significant frequency in large population cohorts (gnomAD); In silico analysis supports a deleterious effect on splicing; Has not been previously published as pathogenic or benign to our knowledge